The following is an entry in ClinVar:

NM_000245.4(MET):c.3312A>C (p.Lys1104Asn)

Gene: MET (MET proto-oncogene, receptor tyrosine kinase; plus strand). Cytogenetic location: 7q31.2.
Variant type: single nucleotide variant.
Coding change: c.3312A>C on transcript NM_000245.4 (MANE Select); coding-DNA position 3312, A replaced by C.
Protein change: p.Lys1104Asn; replaces lysine 1104 with asparagine.
Molecular consequence: missense variant.
Genome position (GRCh38, 1-based): chr7:116,777,441, A>C. VCF-style: chr7-116777441-A-C. GRCh37 (hg19) VCF-style: chr7-116417495-A-C.
Other names: c.3366A>C, p.Lys1122Asn (NM_001127500.3); c.2022A>C, p.Lys674Asn (NM_001324402.2); short protein forms K1122N, K674N, K1104N.
Identifiers: ClinVar variation 1961698 (VCV001961698.5), dbSNP rs1584959967, ClinGen allele CA368989716.
Genomic context (GRCh38, chr7:116,777,441, plus strand): 5'-TTGCACAGGGCATTTTGGTTGTGTATATCATGGGACTTTGTTGGACAATGATGGCAAGAA[A>C]ATTCACTGTGCTGTGAAATCCTTGAACAGTAAGTGGCATTTTATTTAACCATGGAGTATA-3'
Protein context (NP_000236.2, residues 1094-1114): HGTLLDNDGK[Lys1104Asn]IHCAVKSLNR

ClinVar aggregate classification (germline): Uncertain significance (1 of 4 stars; one submission).

Conditions:
Renal cell carcinoma. Identifiers: Orphanet 217071, MedGen C0007134, MeSH D002292, MONDO:0005086, HP:0005584.

Submission:

Labcorp Genetics (formerly Invitae), Labcorp
Classification: Uncertain significance for Renal cell carcinoma. Last evaluated: 2022-07-15. Review status: criteria provided, single submitter. Criteria: Invitae Variant Classification Sherloc (09022015). Collection method: clinical testing. Allele origin: germline.
Comment: This sequence change replaces lysine, which is basic and polar, with asparagine, which is neutral and polar, at codon 1122 of the MET protein (p.Lys1122Asn). This variant is not present in population databases (gnomAD no frequency). In summary, the available evidence is currently insufficient to determine the role of this variant in disease. Therefore, it has been classified as a Variant of Uncertain Significance. Algorithms developed to predict the effect of missense changes on protein structure and function are either unavailable or do not agree on the potential impact of this missense change (SIFT: "Tolerated"; PolyPhen-2: "Possibly Damaging"; Align-GVGD: "Class C0"). This variant has not been reported in the literature in individuals affected with MET-related conditions.